The following is an entry in ClinVar:

NM_001447.3(FAT2):c.11717C>G (p.Ser3906Cys)

Genes: FAT2 (FAT atypical cadherin 2; minus strand), SLC36A1 (solute carrier family 36 member 1; plus strand). Cytogenetic location: 5q33.1.
Variant type: single nucleotide variant.
Coding change: c.11717C>G on transcript NM_001447.3 (MANE Select); coding-DNA position 11717, C replaced by G.
Protein change: p.Ser3906Cys; replaces serine 3906 with cysteine.
Molecular consequence: missense variant.
Genome position (GRCh38, 1-based): chr5:151,512,353, G>C on the plus strand (C>G on the coding strand, the complement: FAT2 is on the minus strand). VCF-style: chr5-151512353-G-C. GRCh37 (hg19) VCF-style: chr5-150891914-G-C.
Other names: c.11717C>G (NM_001447.2); short protein forms S3906C.
Identifiers: ClinVar variation 2973712 (VCV002973712.4), dbSNP rs779177175, ClinGen allele CA3519951.

ClinVar aggregate classification (germline): Uncertain significance. Review status: criteria provided, multiple submitters, no conflicts (2 of 4 stars). 2 submissions from 2 submitters: Uncertain significance (2). Last evaluated 2025-07-15.

Allele frequency attached by ClinVar (database versions not stated): gnomAD 0.00001; gnomAD exomes 0.00001; ExAC 0.00002; TOPMed 0.00002.
gnomAD v4.1: 7 of 1,614,224 alleles (0.00043%); highest among the groups gnomAD compares: Admixed American, 0.01%; no homozygotes.

Submissions (2):

Ambry Genetics
Classification: Uncertain significance. Last evaluated: 2025-07-15. Review status: criteria provided, single submitter. Criteria: Ambry Variant Classification Scheme 2023. Collection method: clinical testing. Allele origin: germline.

Labcorp Genetics (formerly Invitae), Labcorp
Classification: Uncertain significance. Last evaluated: 2024-05-15. Review status: criteria provided, single submitter. Criteria: Invitae Variant Classification Sherloc (09022015). Collection method: clinical testing. Allele origin: germline.
Comment: This sequence change replaces serine, which is neutral and polar, with cysteine, which is neutral and slightly polar, at codon 3906 of the FAT2 protein (p.Ser3906Cys). This variant is present in population databases (rs779177175, gnomAD 0.02%). This variant has not been reported in the literature in individuals affected with FAT2-related conditions. An algorithm developed to predict the effect of missense changes on protein structure and function (PolyPhen-2) suggests that this variant is likely to be disruptive. In summary, the available evidence is currently insufficient to determine the role of this variant in disease. Therefore, it has been classified as a Variant of Uncertain Significance.